The following is an entry in ClinVar:

NM_017934.7(PHIP):c.729A>C (p.Gly243=)

Gene: PHIP (PHIP subunit of CUL4-Ring ligase complex; minus strand). Cytogenetic location: 6q14.1.
Variant type: single nucleotide variant.
Coding change: c.729A>C on transcript NM_017934.7 (MANE Select); coding-DNA position 729, A replaced by C.
Protein change: p.Gly243=; no amino-acid change (glycine 243 retained).
Molecular consequence: synonymous variant.
Genome position (GRCh38, 1-based): chr6:79,026,036, T>G on the plus strand (A>C on the coding strand, the complement: PHIP is on the minus strand). VCF-style: chr6-79026036-T-G. GRCh37 (hg19) VCF-style: chr6-79735753-T-G.
Identifiers: ClinVar variation 3354778 (VCV003354778.1).

ClinVar aggregate classification (germline): Likely benign (0 of 4 stars; one submission).

Conditions:
PHIP-related disorder. Also called: PHIP-related condition; PHIP-related disorders.

Submission:

PreventionGenetics, part of Exact Sciences
Classification: Likely benign for PHIP-related condition. Last evaluated: 2022-12-27. Review status: no assertion criteria provided. Collection method: clinical testing. Allele origin: germline.
Comment: This variant is classified as likely benign based on ACMG/AMP sequence variant interpretation guidelines (Richards et al. 2015 PMID: 25741868, with internal and published modifications).